The following is an entry in ClinVar:

ClinVar aggregate classification (germline): Uncertain significance (1 of 4 stars; one submission).

Conditions:
Inborn genetic diseases. Identifiers: MedGen C0950123, MeSH D030342.

Submission:

Ambry Genetics
Classification: Uncertain significance for Inborn genetic diseases. Last evaluated: 2025-12-29. Review status: criteria provided, single submitter. Criteria: Ambry Variant Classification Scheme 2023. Collection method: clinical testing. Allele origin: germline.
Comment: The p.H1030Q variant (also known as c.3090C>G), located in coding exon 23 of the BUB1B gene, results from a C to G substitution at nucleotide position 3090. The histidine at codon 1030 is replaced by glutamine, an amino acid with highly similar properties. This amino acid position is conserved. In addition, this alteration is predicted to be tolerated by in silico analysis. Based on the available evidence, the clinical significance of this variant remains unclear.

NM_001211.6(BUB1B):c.3090C>G (p.His1030Gln)

Genes: BUB1B (BUB1 mitotic checkpoint serine/threonine kinase B; plus strand), BUB1B-PAK6 (BUB1B-PAK6 readthrough; plus strand). Cytogenetic location: 15q15.1.
Variant type: single nucleotide variant.
Coding change: c.3090C>G on transcript NM_001211.6 (MANE Select); coding-DNA position 3090, C replaced by G.
Protein change: p.His1030Gln; replaces histidine 1030 with glutamine.
Molecular consequence: missense variant. On other transcripts: intron variant (2).
Genome position (GRCh38, 1-based): chr15:40,220,696, C>G. VCF-style: chr15-40220696-C-G. GRCh37 (hg19) VCF-style: chr15-40512897-C-G.
Other names: c.-118+3029C>G (NM_001128629.3); c.-201+3029C>G (NM_001128628.3); short protein forms H1030Q.
Identifiers: ClinVar variation 4842708 (VCV004842708.1).